The following is an entry in ClinVar:

NM_001166108.2(PALLD):c.2530C>A (p.Gln844Lys)

Genes: CBR4 (carbonyl reductase 4; minus strand), PALLD (palladin, cytoskeletal associated protein; plus strand). Cytogenetic location: 4q32.3.
Variant type: single nucleotide variant.
Coding change: c.2530C>A on transcript NM_001166108.2 (MANE Select); coding-DNA position 2530, C replaced by A.
Protein change: p.Gln844Lys; replaces glutamine 844 with lysine.
Molecular consequence: missense variant.
Genome position (GRCh38, 1-based): chr4:168,903,814, C>A. VCF-style: chr4-168903814-C-A. GRCh37 (hg19) VCF-style: chr4-169824965-C-A.
Other names: c.1333C>A, p.Gln445Lys (NM_001166109.2); c.1018C>A, p.Gln340Lys (NM_001166110.2); c.358C>A, p.Gln120Lys (NM_001367567.1, NM_001367569.1); c.409C>A, p.Gln137Lys (NM_001367568.1, NM_001367570.1); c.2479C>A, p.Gln827Lys (NM_016081.4); short protein forms Q120K, Q445K, Q844K, Q340K, Q137K, Q827K.
Identifiers: ClinVar variation 848900 (VCV000848900.10), dbSNP rs1757056910, ClinGen allele CA358799361.

ClinVar aggregate classification (germline): Uncertain significance. Review status: criteria provided, multiple submitters, no conflicts (2 of 4 stars). 2 submissions from 2 submitters: Uncertain significance (2). Last evaluated 2026-08-23.

Conditions:
Pancreatic adenocarcinoma. Identifiers: MedGen C0281361, MONDO:0006047, HP:0006725.

Submissions (2):

Ambry Genetics
Classification: Uncertain significance. Last evaluated: 2026-08-23. Review status: criteria provided, single submitter. Criteria: Ambry Variant Classification Scheme 2023. Collection method: clinical testing. Allele origin: germline.
Comment: The p.Q340K variant (also known as c.1018C>A), located in coding exon 5 of the PALLD gene, results from a C to A substitution at nucleotide position 1018. The glutamine at codon 340 is replaced by lysine, an amino acid with similar properties. This amino acid position is conserved. In addition, this alteration is predicted to be tolerated by in silico analysis. Based on the available evidence, the clinical significance of this variant remains unclear.

Labcorp Genetics (formerly Invitae), Labcorp
Classification: Uncertain significance for Pancreatic adenocarcinoma. Last evaluated: 2021-02-25. Review status: criteria provided, single submitter. Criteria: Invitae Variant Classification Sherloc (09022015). Collection method: clinical testing. Allele origin: germline.
Comment: This variant has not been reported in the literature in individuals with PALLD-related conditions. Algorithms developed to predict the effect of missense changes on protein structure and function are either unavailable or do not agree on the potential impact of this missense change (SIFT: "Deleterious"; PolyPhen-2: "Benign"; Align-GVGD: "Class C45"). In summary, the available evidence is currently insufficient to determine the role of this variant in disease. Therefore, it has been classified as a Variant of Uncertain Significance. This variant is not present in population databases (ExAC no frequency). This sequence change replaces glutamine with lysine at codon 340 of the PALLD protein (p.Gln340Lys). The glutamine residue is highly conserved and there is a small physicochemical difference between glutamine and lysine.